The following is an entry in ClinVar:

NM_004360.5(CDH1):c.431del (p.Asn144fs)

Gene: CDH1 (cadherin 1; plus strand). Cytogenetic location: 16q22.1.
Variant type: Deletion.
Coding change: c.431del on transcript NM_004360.5 (MANE Select); coding-DNA position 431, one base deleted (A; older notation c.431delA).
Protein change: p.Asn144fs; shifts the reading frame from asparagine 144.
Molecular consequence: frameshift variant. On other transcripts: 5 prime UTR variant (2).
Genome position (GRCh38, 1-based): chr16:68,808,467, A deleted; the last of 2 consecutive A bases (chr16:68,808,466-68,808,467); deleting either gives the same sequence. VCF-style (leftmost placement, unchanged base first): chr16-68808465-CA-C. GRCh37 (hg19) VCF-style: chr16-68842368-CA-C.
Other names: c.431del, p.Asn144fs (NM_001317184.2); c.-1185del (NM_001317185.2); c.-1389del (NM_001317186.2); short protein forms N144fs.
Identifiers: ClinVar variation 2008797 (VCV002008797.4), dbSNP rs2543914502, ClinGen allele CA645596599.

ClinVar aggregate classification (germline): Pathogenic (1 of 4 stars; one submission).

Conditions:
Hereditary diffuse gastric adenocarcinoma (HDGC). Also called: DIFFUSE GASTRIC AND LOBULAR BREAST CANCER SYNDROME. Identifiers: Orphanet 26106, MedGen C1708349, MONDO:0007648, OMIM 137215.

Submission:

Labcorp Genetics (formerly Invitae), Labcorp
Classification: Pathogenic for Hereditary diffuse gastric adenocarcinoma. Last evaluated: 2022-06-21. Review status: criteria provided, single submitter. Criteria: Invitae Variant Classification Sherloc (09022015). Collection method: clinical testing. Allele origin: germline.
Comment: This sequence change creates a premature translational stop signal (p.Asn144Thrfs*71) in the CDH1 gene. It is expected to result in an absent or disrupted protein product. Loss-of-function variants in CDH1 are known to be pathogenic (PMID: 15235021, 20373070). This variant is not present in population databases (gnomAD no frequency). This variant has not been reported in the literature in individuals affected with CDH1-related conditions. For these reasons, this variant has been classified as Pathogenic.

Literature cited by the submitters: PubMed 15235021; PubMed 20373070.